The following is an entry in ClinVar:

ClinVar aggregate classification (germline): Uncertain significance (1 of 4 stars; one submission).

Allele frequency attached by ClinVar (database versions not stated): gnomAD exomes below 0.00001.
gnomAD v4.1: 1 of 1,614,138 alleles (0.000062%); highest among the groups gnomAD compares: Non-Finnish European, 0.000085%; no homozygotes.

Submission:

Labcorp Genetics (formerly Invitae), Labcorp
Classification: Uncertain significance. Last evaluated: 2024-12-16. Review status: criteria provided, single submitter. Criteria: Invitae Variant Classification Sherloc (09022015). Collection method: clinical testing. Allele origin: germline.
Comment: This sequence change replaces asparagine, which is neutral and polar, with serine, which is neutral and polar, at codon 445 of the SLC25A12 protein (p.Asn445Ser). This variant is not present in population databases (gnomAD no frequency). This variant has not been reported in the literature in individuals affected with SLC25A12-related conditions. ClinVar contains an entry for this variant (Variation ID: 2177569). Invitae Evidence Modeling of protein sequence and biophysical properties (such as structural, functional, and spatial information, amino acid conservation, physicochemical variation, residue mobility, and thermodynamic stability) indicates that this missense variant is expected to disrupt SLC25A12 protein function with a positive predictive value of 80%. In summary, the available evidence is currently insufficient to determine the role of this variant in disease. Therefore, it has been classified as a Variant of Uncertain Significance.

NM_003705.5(SLC25A12):c.1334A>G (p.Asn445Ser)

Gene: SLC25A12 (solute carrier family 25 member 12; minus strand). Cytogenetic location: 2q31.1.
Variant type: single nucleotide variant.
Coding change: c.1334A>G on transcript NM_003705.5 (MANE Select); coding-DNA position 1334, A replaced by G.
Protein change: p.Asn445Ser; replaces asparagine 445 with serine.
Molecular consequence: missense variant. On other transcripts: non-coding transcript variant (1).
Genome position (GRCh38, 1-based): chr2:171,793,739, T>C on the plus strand (A>G on the coding strand, the complement: SLC25A12 is on the minus strand). VCF-style: chr2-171793739-T-C. GRCh37 (hg19) VCF-style: chr2-172650249-T-C.
Other names: short protein forms N445S.
Identifiers: ClinVar variation 2177569 (VCV002177569.4), dbSNP rs1683537186, ClinGen allele CA349289583.